The following is an entry in ClinVar:

ClinVar aggregate classification (germline): Uncertain significance (1 of 4 stars; one submission).

gnomAD v4.1: 2 of 1,614,160 alleles (0.00012%); highest among the groups gnomAD compares: South Asian, 0.0022%; no homozygotes.

Submission:

Labcorp Genetics (formerly Invitae), Labcorp
Classification: Uncertain significance. Last evaluated: 2022-06-03. Review status: criteria provided, single submitter. Criteria: Invitae Variant Classification Sherloc (09022015). Collection method: clinical testing. Allele origin: germline.
Comment: In summary, the available evidence is currently insufficient to determine the role of this variant in disease. Therefore, it has been classified as a Variant of Uncertain Significance. Algorithms developed to predict the effect of missense changes on protein structure and function are either unavailable or do not agree on the potential impact of this missense change (SIFT: "Not Available"; PolyPhen-2: "Possibly Damaging"; Align-GVGD: "Not Available"). This variant has not been reported in the literature in individuals affected with APOA1-related conditions. This variant is present in population databases (no rsID available, gnomAD 0.003%). This sequence change replaces proline, which is neutral and non-polar, with threonine, which is neutral and polar, at codon 123 of the APOA1 protein (p.Pro123Thr).

NM_000039.3(APOA1):c.367C>A (p.Pro123Thr)

Genes: APOA1 (apolipoprotein A1; minus strand), APOA1-AS (APOA1 antisense RNA; plus strand). Cytogenetic location: 11q23.3.
Variant type: single nucleotide variant.
Coding change: c.367C>A on transcript NM_000039.3 (MANE Select); coding-DNA position 367, C replaced by A.
Protein change: p.Pro123Thr; replaces proline 123 with threonine.
Molecular consequence: missense variant.
Genome position (GRCh38, 1-based): chr11:116,836,245, G>T on the plus strand (C>A on the coding strand, the complement: APOA1 is on the minus strand). VCF-style: chr11-116836245-G-T. GRCh37 (hg19) VCF-style: chr11-116706961-G-T.
Other names: c.367C>A, p.Pro123Thr (NM_001318017.2, NM_001318018.2); c.40C>A, p.Pro14Thr (NM_001318021.2); short protein forms P14T, P123T.
Identifiers: ClinVar variation 2002302 (VCV002002302.4), dbSNP rs1276491554, ClinGen allele CA382716392.
Genomic context (GRCh38, chr11:116,836,245, plus strand): 5'-CCTTCTGGCGGTAGAGCTCCATCTCCTCCTGCCACTTCTTCTGGAAGTCGTCCAGGTAGG[G>T]CTGCACCTTGGCCTTCACCTCCTCCAGATCCTTGCTCATCTCCTGCCTCAGGCCCTCTGT-3'
Protein context (NP_000030.1, residues 113-133): DLEEVKAKVQ[Pro123Thr]YLDDFQKKWQ